The following is an entry in ClinVar:

ClinVar aggregate classification (germline): Uncertain significance (0 of 4 stars; one submission).

Conditions:
RAI1-related disorder. Also called: RAI1-related condition.

Submission:

PreventionGenetics, part of Exact Sciences
Classification: Uncertain significance for RAI1-related condition. Last evaluated: 2024-04-13. Review status: no assertion criteria provided. Collection method: clinical testing. Allele origin: germline.
Comment: The RAI1 c.4838T>C variant is predicted to result in the amino acid substitution p.Val1613Ala. To our knowledge, this variant has not been reported in the literature or in a large population database, indicating this variant is rare. At this time, the clinical significance of this variant is uncertain due to the absence of conclusive functional and genetic evidence.

NM_030665.4(RAI1):c.4838T>C (p.Val1613Ala)

Gene: RAI1 (retinoic acid induced 1; plus strand). Cytogenetic location: 17p11.2.
Variant type: single nucleotide variant.
Coding change: c.4838T>C on transcript NM_030665.4 (MANE Select); coding-DNA position 4838, T replaced by C.
Protein change: p.Val1613Ala; replaces valine 1613 with alanine.
Molecular consequence: missense variant.
Genome position (GRCh38, 1-based): chr17:17,797,786, T>C. VCF-style: chr17-17797786-T-C. GRCh37 (hg19) VCF-style: chr17-17701100-T-C.
Other names: short protein forms V1613A.
Identifiers: ClinVar variation 3347165 (VCV003347165.1).
Genomic context (GRCh38, chr17:17,797,786, plus strand): 5'-CCGCCTTCTCACCCTTCGTGCGGGTGGAGAAGCGAGACGCGTTCACCACCATATGCACTG[T>C]TGTCAACTCCCCTGGAGATGCGCCCAAGCCCCACAGGAAGCCTTCCTCCTCTGCCTCCTC-3'
Protein context (NP_109590.3, residues 1603-1623): KRDAFTTICT[Val1613Ala]VNSPGDAPKP